The following is an entry in ClinVar:

NM_002558.4(P2RX1):c.174G>T (p.Ser58=)

Gene: P2RX1 (purinergic receptor P2X 1; minus strand). Cytogenetic location: 17p13.2.
Variant type: single nucleotide variant.
Coding change: c.174G>T on transcript NM_002558.4 (MANE Select); coding-DNA position 174, G replaced by T.
Protein change: p.Ser58=; no amino-acid change (serine 58 retained).
Molecular consequence: synonymous variant.
Genome position (GRCh38, 1-based): chr17:3,905,331, C>A on the plus strand (G>T on the coding strand, the complement: P2RX1 is on the minus strand). VCF-style: chr17-3905331-C-A. GRCh37 (hg19) VCF-style: chr17-3808625-C-A.
Identifiers: ClinVar variation 3054973 (VCV003054973.2), dbSNP rs145994135, ClinGen allele CA8296401.
Genomic context (GRCh38, chr17:3,905,331, plus strand): 5'-AGGGAGCTGGGTCACGGCCAGGCCCTTGAGTTTCACAGAGACACTGCTGATGAGGCCGCT[C>A]GAGGTCTGGTAGCCCTTCTCATAGAGAAACACCCACCTGTGCGGGTGGGGACAGAGGGGG-3'
Protein context (NP_002549.1, residues 48-68): VFLYEKGYQT[Ser58=]SGLISSVSVK

ClinVar aggregate classification (germline): Likely benign (0 of 4 stars; one submission).

Conditions:
P2RX1-related disorder. Also called: P2RX1-related condition.

Allele frequency attached by ClinVar (database versions not stated): ESP Exome Variant Server 0.00046.
gnomAD v4.1: 768 of 1,613,792 alleles (0.048%); highest among the groups gnomAD compares: Non-Finnish European, 0.06%; no homozygotes.

Submission:

PreventionGenetics, part of Exact Sciences
Classification: Likely benign for P2RX1-related condition. Last evaluated: 2022-02-02. Review status: no assertion criteria provided. Collection method: clinical testing. Allele origin: germline.
Comment: This variant is classified as likely benign based on ACMG/AMP sequence variant interpretation guidelines (Richards et al. 2015 PMID: 25741868, with internal and published modifications).